The following is an entry in ClinVar:

NM_014425.5(INVS):c.2560G>A (p.Glu854Lys)

Gene: INVS (inversin; plus strand). Cytogenetic location: 9q31.1.
Variant type: single nucleotide variant.
Coding change: c.2560G>A on transcript NM_014425.5 (MANE Select); coding-DNA position 2560, G replaced by A.
Protein change: p.Glu854Lys; replaces glutamic acid 854 with lysine.
Molecular consequence: missense variant. On other transcripts: non-coding transcript variant (1).
Genome position (GRCh38, 1-based): chr9:100,292,817, G>A. VCF-style: chr9-100292817-G-A. GRCh37 (hg19) VCF-style: chr9-103055099-G-A.
Other names: c.2272G>A, p.Glu758Lys (NM_001318381.2); c.1582G>A, p.Glu528Lys (NM_001318382.2); short protein forms E854K, E528K, E758K.
Identifiers: ClinVar variation 3110267 (VCV003110267.2), dbSNP rs1457286984, ClinGen allele CA374243960.

ClinVar aggregate classification (germline): Uncertain significance. Review status: criteria provided, multiple submitters, no conflicts (2 of 4 stars). 2 submissions from 2 submitters: Uncertain significance (2). Last evaluated 2025-12-30.

Conditions:
Inborn genetic diseases. Identifiers: MedGen C0950123, MeSH D030342.
Nephronophthisis. Also called: Juvenile Nephronophthisis. Identifiers: Orphanet 655, MedGen C0687120, MONDO:0019005, HP:0000090.

Allele frequency attached by ClinVar (database versions not stated): TOPMed below 0.00001.
gnomAD v4.1: 6 of 1,614,144 alleles (0.00037%); highest among the groups gnomAD compares: Non-Finnish European, 0.00051%; no homozygotes.

Submissions (2):

Labcorp Genetics (formerly Invitae), Labcorp
Classification: Uncertain significance for Nephronophthisis. Last evaluated: 2025-12-30. Review status: criteria provided, single submitter. Criteria: Invitae Variant Classification Sherloc (09022015). Collection method: clinical testing. Allele origin: germline.
Comment: This sequence change replaces glutamic acid, which is acidic and polar, with lysine, which is basic and polar, at codon 854 of the INVS protein (p.Glu854Lys). This variant is present in population databases (no rsID available, gnomAD 0.0009%). This variant has not been reported in the literature in individuals affected with INVS-related conditions. ClinVar contains an entry for this variant (Variation ID: 3110267). An algorithm developed to predict the effect of missense changes on protein structure and function (PolyPhen-2) suggests that this variant is likely to be tolerated. In summary, the available evidence is currently insufficient to determine the role of this variant in disease. Therefore, it has been classified as a Variant of Uncertain Significance.

Ambry Genetics
Classification: Uncertain significance for Inborn genetic diseases. Last evaluated: 2024-02-28. Review status: criteria provided, single submitter. Criteria: Ambry Variant Classification Scheme 2023. Collection method: clinical testing. Allele origin: germline.